The following is an entry in ClinVar:

NM_052845.4(MMAB):c.*1810G>A

Gene: MMAB (metabolism of cobalamin associated B; minus strand). Cytogenetic location: 12q24.11.
Variant type: single nucleotide variant.
Coding change: c.*1810G>A on transcript NM_052845.4 (MANE Select); 1810 bases downstream of the stop codon, G replaced by A.
Molecular consequence: 3 prime UTR variant. On other transcripts: non-coding transcript variant (1).
Genome position (GRCh38, 1-based): chr12:109,555,218, C>T on the plus strand (G>A on the coding strand, the complement: MMAB is on the minus strand). VCF-style: chr12-109555218-C-T. GRCh37 (hg19) VCF-style: chr12-109993023-C-T.
Identifiers: ClinVar variation 307023 (VCV000307023.6), dbSNP rs73414076, ClinGen allele CA6778569.

ClinVar aggregate classification (germline): Benign. Review status: criteria provided, multiple submitters, no conflicts (2 of 4 stars). 2 submissions from 2 submitters: Benign (2). Last evaluated 2018-01-12.

Conditions:
Methylmalonic aciduria, cblB type (MACB). Also called: Vitamin B12-responsive methylmalonic acidemia type cblB; METHYLMALONIC ACIDURIA, VITAMIN B12-RESPONSIVE, DUE TO DEFECT IN SYNTHESIS OF ADENOSYLCOBALAMIN, cblB TYPE; Methylmalonic acidemia cblB type. Identifiers: Orphanet 28, Orphanet 79311, MedGen C1855102, MONDO:0009614, OMIM 251110.

Allele frequency attached by ClinVar (database versions not stated): TOPMed 0.11946; 1000 Genomes Project 30x 0.13148; gnomAD 0.10210 and 0.10702; 1000 Genomes Project 0.12879; gnomAD exomes 0.03200 and 0.04890; ExAC 0.01979.
gnomAD v4.1: 24,697 of 449,496 alleles (5.5%); highest among the groups gnomAD compares: African/African-American, 30%; 2,628 homozygotes.

Submissions (2):

Illumina Laboratory Services, Illumina
Classification: Benign for Methylmalonic aciduria, cblB type. Last evaluated: 2018-01-12. Review status: criteria provided, single submitter. Criteria: ICSL Variant Classification Criteria 13 December 2019. Collection method: clinical testing. Allele origin: germline.
Comment: This variant was observed in the ICSL laboratory as part of a predisposition screen in an ostensibly healthy population. It had not been previously curated by ICSL or reported in the Human Gene Mutation Database (HGMD: prior to June 1st, 2018), and was therefore a candidate for classification through an automated scoring system. Utilizing variant allele frequency, disease prevalence and penetrance estimates, and inheritance mode, an automated score was calculated to assess if this variant is too frequent to cause the disease. Based on the score and internal cut-off values, a variant classified as benign is not then subjected to further curation. The score for this variant resulted in a classification of benign for this disease.

Breakthrough Genomics
Classification: Benign. Review status: criteria provided, single submitter. Criteria: ACMG Guidelines, 2015. Collection method: not provided. Allele origin: germline. Inheritance: Autosomal recessive inheritance. Affected: yes.